The following is an entry in ClinVar:

ClinVar aggregate classification (germline): Uncertain significance (0 of 4 stars; one submission).

Conditions:
PEX13-related disorder. Also called: PEX13-related condition; PEX13-related disorders.

Submission:

PreventionGenetics, part of Exact Sciences
Classification: Uncertain significance for PEX13-related condition. Last evaluated: 2024-06-15. Review status: no assertion criteria provided. Collection method: clinical testing. Allele origin: germline.
Comment: The PEX13 c.124_128delinsCT variant is predicted to result in an in-frame deletion and insertion. To our knowledge, this variant has not been reported in the literature or in a large population database, indicating this variant is rare. At this time, the clinical significance of this variant is uncertain due to the absence of conclusive functional and genetic evidence.

NM_002618.4(PEX13):c.124_128delinsCT (p.Arg42_Pro43delinsLeu)

Gene: PEX13 (peroxisomal biogenesis factor 13; plus strand). Cytogenetic location: 2p15.
Variant type: Indel.
Coding change: c.124_128delinsCT on transcript NM_002618.4 (MANE Select); coding-DNA positions 124 to 128, AGACC replaced by CT.
Protein change: p.Arg42_Pro43delinsLeu.
Molecular consequence: inframe indel.
Genome position (GRCh38, 1-based): chr2:61,031,450-61,031,454, AGACC replaced by CT. VCF-style: chr2-61031450-AGACC-CT. GRCh37 (hg19) VCF-style: chr2-61258585-AGACC-CT.
Identifiers: ClinVar variation 3347745 (VCV003347745.1).